The following is an entry in ClinVar:

NM_003705.5(SLC25A12):c.1282G>C (p.Ala428Pro)

Gene: SLC25A12 (solute carrier family 25 member 12; minus strand). Cytogenetic location: 2q31.1.
Variant type: single nucleotide variant.
Coding change: c.1282G>C on transcript NM_003705.5 (MANE Select); coding-DNA position 1282, G replaced by C.
Protein change: p.Ala428Pro; replaces alanine 428 with proline.
Molecular consequence: missense variant. On other transcripts: non-coding transcript variant (1).
Genome position (GRCh38, 1-based): chr2:171,809,629, C>G on the plus strand (G>C on the coding strand, the complement: SLC25A12 is on the minus strand). VCF-style: chr2-171809629-C-G. GRCh37 (hg19) VCF-style: chr2-172666139-C-G.
Other names: short protein forms A428P.
Identifiers: ClinVar variation 4076174 (VCV004076174.1).

ClinVar aggregate classification (germline): Uncertain significance (1 of 4 stars; one submission).

Conditions:
Developmental and epileptic encephalopathy, 39 (DEE39). Also called: DEVELOPMENTAL AND EPILEPTIC ENCEPHALOPATHY 39 WITH LEUKODYSTROPHY. Identifiers: Orphanet 353217, MedGen C2751855, MONDO:0013056, OMIM 612949.

Submission:

Laboratorio de Genetica e Diagnostico Molecular, Hospital Israelita Albert Einstein
Classification: Uncertain significance for Developmental and epileptic encephalopathy, 39. Last evaluated: 2025-03-20. Review status: criteria provided, single submitter. Criteria: ACMG Guidelines, 2015. Collection method: clinical testing. Allele origin: germline. Affected: yes.
Comment: ACMG classification criteria: PM2 supporting